The following is an entry in ClinVar:

ClinVar aggregate classification (germline): Uncertain significance. Review status: criteria provided, multiple submitters, no conflicts (2 of 4 stars). 5 submissions from 5 submitters: Uncertain significance (4). 1 of the submissions does not count toward it. Last evaluated 2025-04-12.

Conditions:
Retinitis pigmentosa 25 (RP25). Identifiers: Orphanet 791, MedGen C1864446, MONDO:0011272, OMIM 602772.
Retinitis pigmentosa (RP). Identifiers: Orphanet 791, MedGen C0035334, MeSH D012174, MONDO:0019200, OMIM 268000. Inheritance: Autosomal dominant, autosomal recessive and X linked inheritance.
Inborn genetic diseases. Identifiers: MedGen C0950123, MeSH D030342.

Allele frequency attached by ClinVar (database versions not stated): gnomAD below 0.00001 and 0.00003; TOPMed 0.00001; gnomAD exomes 0.00011; 1000 Genomes Project 0.00020; ExAC 0.00023; 1000 Genomes Project 30x 0.00031.
gnomAD v4.1: 70 of 1,549,540 alleles (0.0045%); highest among the groups gnomAD compares: South Asian, 0.079%; no homozygotes.

Submissions (5):

Ambry Genetics
Classification: Uncertain significance for Inborn genetic diseases. Last evaluated: 2025-04-12. Review status: criteria provided, single submitter. Criteria: Ambry Variant Classification Scheme 2023. Collection method: clinical testing. Allele origin: germline.

Blueprint Genetics
Classification: Uncertain significance. Last evaluated: 2023-08-28. Review status: criteria provided, single submitter. Criteria: ACMG Guidelines, 2015. Collection method: clinical testing. Allele origin: germline.

Labcorp Genetics (formerly Invitae), Labcorp
Classification: Uncertain significance. Last evaluated: 2022-10-13. Review status: criteria provided, single submitter. Criteria: Invitae Variant Classification Sherloc (09022015). Collection method: clinical testing. Allele origin: germline.
Comment: This sequence change replaces glycine, which is neutral and non-polar, with valine, which is neutral and non-polar, at codon 2300 of the EYS protein (p.Gly2300Val). This variant is present in population databases (rs531588707, gnomAD 0.08%). This variant has not been reported in the literature in individuals affected with EYS-related conditions. ClinVar contains an entry for this variant (Variation ID: 357697). Advanced modeling of protein sequence and biophysical properties (such as structural, functional, and spatial information, amino acid conservation, physicochemical variation, residue mobility, and thermodynamic stability) has been performed at Invitae for this missense variant, however the output from this modeling did not meet the statistical confidence thresholds required to predict the impact of this variant on EYS protein function. In summary, the available evidence is currently insufficient to determine the role of this variant in disease. Therefore, it has been classified as a Variant of Uncertain Significance.

Illumina Laboratory Services, Illumina
Classification: Uncertain significance for Retinitis pigmentosa. Last evaluated: 2018-01-13. Review status: criteria provided, single submitter. Criteria: ICSL Variant Classification Criteria 13 December 2019. Collection method: clinical testing. Allele origin: germline.

Natera, Inc.
Classification: Uncertain significance for Retinitis pigmentosa type 25. Last evaluated: 2020-10-20. Review status: no assertion criteria provided. Collection method: clinical testing. Allele origin: germline. Not counted in ClinVar's aggregate classification.

NM_001142800.2(EYS):c.6899G>T (p.Gly2300Val)

Gene: EYS (EGF-like photoreceptor maintenance factor; minus strand). Cytogenetic location: 6q12.
Variant type: single nucleotide variant.
Coding change: c.6899G>T on transcript NM_001142800.2 (MANE Select); coding-DNA position 6899, G replaced by T.
Protein change: p.Gly2300Val; replaces glycine 2300 with valine.
Molecular consequence: missense variant.
Genome position (GRCh38, 1-based): chr6:63,984,539, C>A on the plus strand (G>T on the coding strand, the complement: EYS is on the minus strand). VCF-style: chr6-63984539-C-A. GRCh37 (hg19) VCF-style: chr6-64694432-C-A.
Other names: c.6899G>T, p.Gly2300Val (NM_001292009.2); short protein forms G2300V.
Identifiers: ClinVar variation 357697 (VCV000357697.10), dbSNP rs531588707, ClinGen allele CA3876867.
Genomic context (GRCh38, chr6:63,984,539, plus strand): 5'-AAGAATTCTTTGTTGTTTACTTGAAGGTCTAGAATGCAGCCCCTGAACCCATAAACAGGA[C>A]CTGCTTTCTTATGAATTTGAACATTTGCAGGAATATGGCCAAGGAACATTGATTCAAAAT-3'
Protein context (NP_001136272.1, residues 2290-2310): PANVQIHKKA[Gly2300Val]PVYGFRGCIL